The following is an entry in ClinVar:

ClinVar aggregate classification (germline): Conflicting classifications of pathogenicity. Review status: criteria provided, conflicting classifications (1 of 4 stars). 4 submissions from 4 submitters: Uncertain significance (1); Likely benign (3). Last evaluated 2025-06-01.

Allele frequency attached by ClinVar (database versions not stated): gnomAD below 0.00001 and 0.00002; TOPMed below 0.00001; ExAC 0.00017.
gnomAD v4.1: 101 of 1,608,622 alleles (0.0063%); highest among the groups gnomAD compares: South Asian, 0.11%; 1 homozygote.

Submissions (4):

CeGaT Center for Human Genetics Tuebingen
Classification: Likely benign. Last evaluated: 2025-06-01. Review status: criteria provided, single submitter. Criteria: CeGaT Center For Human Genetics Tuebingen Variant Classification Criteria Version 2. Collection method: clinical testing. Allele origin: germline. Affected: yes. Observed: 1 variant allele.
Comment: RIMS1: BS1

Labcorp Genetics (formerly Invitae), Labcorp
Classification: Likely benign. Last evaluated: 2025-03-17. Review status: criteria provided, single submitter. Criteria: Invitae Variant Classification Sherloc (09022015). Collection method: clinical testing. Allele origin: germline.

Blueprint Genetics
Classification: Likely benign. Last evaluated: 2024-10-30. Review status: criteria provided, single submitter. Criteria: ACMG Guidelines, 2015. Collection method: clinical testing. Allele origin: germline.

Eurofins Ntd Llc (ga)
Classification: Uncertain significance. Last evaluated: 2017-02-21. Review status: criteria provided, single submitter. Criteria: EGL Classification Definitions 2015. Collection method: clinical testing. Allele origin: germline. Observed: 1 variant allele, 1 heterozygote.

NM_014989.7(RIMS1):c.2107T>A (p.Ser703Thr)

Gene: RIMS1 (regulating synaptic membrane exocytosis 1; plus strand). Cytogenetic location: 6q13.
Variant type: single nucleotide variant.
Coding change: c.2107T>A on transcript NM_014989.7 (MANE Select); coding-DNA position 2107, T replaced by A.
Protein change: p.Ser703Thr; replaces serine 703 with threonine.
Molecular consequence: missense variant.
Genome position (GRCh38, 1-based): chr6:72,245,840, T>A. VCF-style: chr6-72245840-T-A. GRCh37 (hg19) VCF-style: chr6-72955543-T-A.
Other names: c.529T>A, p.Ser177Thr (NM_001168407.2, NM_001168408.2, NM_001350414.2 and 37 more transcripts); c.286T>A, p.Ser96Thr (NM_001168409.2, NM_001350461.2, NM_001350463.2 and 6 more transcripts); c.484T>A, p.Ser162Thr (NM_001168410.2, NM_001350470.2, NM_001350472.2 and 2 more transcripts); c.460T>A, p.Ser154Thr (NM_001350421.2, NM_001350424.2, NM_001350459.2 and 6 more transcripts); short protein forms S703T, S96T, S177T, S154T, S162T.
Identifiers: ClinVar variation 500263 (VCV000500263.17), dbSNP rs772471723, ClinGen allele CA3885893.